The following is an entry in ClinVar:

NM_181426.2(CCDC39):c.1242del (p.Met414fs)

Gene: CCDC39 (coiled-coil domain 39 molecular ruler complex subunit; minus strand). Cytogenetic location: 3q26.33.
Variant type: Deletion.
Coding change: c.1242del on transcript NM_181426.2 (MANE Select); coding-DNA position 1242, one base deleted (G; older notation c.1242delG).
Protein change: p.Met414fs; shifts the reading frame from methionine 414.
Molecular consequence: frameshift variant.
Genome position (GRCh38, 1-based): chr3:180,648,285, C deleted on the plus strand (G on the coding strand, the reverse complement: CCDC39 is on the minus strand). VCF-style (leftmost placement, unchanged base first): chr3-180648284-TC-T. GRCh37 (hg19) VCF-style: chr3-180366072-TC-T.
Other names: short protein forms M414fs.
Identifiers: ClinVar variation 525328 (VCV000525328.7), dbSNP rs1553804220, ClinGen allele CA658796401.

ClinVar aggregate classification (germline): Pathogenic (1 of 4 stars; one submission).

Conditions:
Primary ciliary dyskinesia. Also called: Ciliary dyskinesia. Identifiers: Orphanet 244, MedGen C0008780, MONDO:0016575, HP:0012265.

Allele frequency attached by ClinVar (database versions not stated): gnomAD exomes below 0.00001.

Submission:

Labcorp Genetics (formerly Invitae), Labcorp
Classification: Pathogenic for Primary ciliary dyskinesia. Last evaluated: 2017-09-24. Review status: criteria provided, single submitter. Criteria: Invitae Variant Classification Sherloc (09022015). Collection method: clinical testing. Allele origin: germline.
Comment: This sequence change creates a premature translational stop signal (p.Met414Ilefs*17) in the CCDC39 gene. It is expected to result in an absent or disrupted protein product. This variant is not present in population databases (ExAC no frequency). This variant has not been reported in the literature in individuals with CCDC39-related disease. Loss-of-function variants in CCDC39 are known to be pathogenic (PMID: 21131972, 23255504). For these reasons, this variant has been classified as Pathogenic.

Literature cited by the submitters: PubMed 21131972; PubMed 23255504.